The following is an entry in ClinVar:

NM_001164277.2(SLC37A4):c.356C>G (p.Pro119Arg)

Gene: SLC37A4 (solute carrier family 37 member 4; minus strand). Cytogenetic location: 11q23.3.
Variant type: single nucleotide variant.
Coding change: c.356C>G on transcript NM_001164277.2 (MANE Select); coding-DNA position 356, C replaced by G.
Protein change: p.Pro119Arg; replaces proline 119 with arginine.
Molecular consequence: missense variant.
Genome position (GRCh38, 1-based): chr11:119,028,219, G>C on the plus strand (C>G on the coding strand, the complement: SLC37A4 is on the minus strand). VCF-style: chr11-119028219-G-C. GRCh37 (hg19) VCF-style: chr11-118898929-G-C.
Other names: c.356C>G, p.Pro119Arg (NM_001164278.2, NM_001164280.2, NM_001467.6); c.137C>G, p.Pro46Arg (NM_001164279.2); short protein forms P46R, P119R.
Identifiers: ClinVar variation 1732775 (VCV001732775.17), dbSNP rs1943633170, ClinGen allele CA382904574.

ClinVar aggregate classification (germline): Uncertain significance. Review status: criteria provided, multiple submitters, no conflicts (2 of 4 stars). 3 submissions from 3 submitters: Uncertain significance (3). Last evaluated 2025-01-01.

Conditions:
Glucose-6-phosphate transport defect (GSD1B). Also called: GSD Ib; Glycogen Storage Disease Type Ib. Identifiers: Orphanet 364, Orphanet 79259, MedGen C0268146, MONDO:0009288, OMIM 232220.
Inborn genetic diseases. Identifiers: MedGen C0950123, MeSH D030342.

Allele frequency attached by ClinVar (database versions not stated): TOPMed below 0.00001.

Submissions (3):

CeGaT Center for Human Genetics Tuebingen
Classification: Uncertain significance. Last evaluated: 2025-01-01. Review status: criteria provided, single submitter. Criteria: CeGaT Center For Human Genetics Tuebingen Variant Classification Criteria Version 2. Collection method: clinical testing. Allele origin: germline. Affected: yes. Observed: 1 variant allele.
Comment: SLC37A4: PM2

Ambry Genetics
Classification: Uncertain significance for Inborn genetic diseases. Last evaluated: 2022-07-11. Review status: criteria provided, single submitter. Criteria: Ambry Variant Classification Scheme 2023. Collection method: clinical testing. Allele origin: germline.
Comment: The p.P119R variant (also known as c.356C>G), located in coding exon 2 of the SLC37A4 gene, results from a C to G substitution at nucleotide position 356. The proline at codon 119 is replaced by arginine, an amino acid with dissimilar properties. This amino acid position is conserved. In addition, this alteration is predicted to be deleterious by in silico analysis. Since supporting evidence is limited at this time, the clinical significance of this alteration remains unclear.

Labcorp Genetics (formerly Invitae), Labcorp
Classification: Uncertain significance for Glucose-6-phosphate transport defect. Last evaluated: 2022-04-17. Review status: criteria provided, single submitter. Criteria: Invitae Variant Classification Sherloc (09022015). Collection method: clinical testing. Allele origin: germline.
Comment: This sequence change replaces proline, which is neutral and non-polar, with arginine, which is basic and polar, at codon 119 of the SLC37A4 protein (p.Pro119Arg). This variant is not present in population databases (gnomAD no frequency). This variant has not been reported in the literature in individuals affected with SLC37A4-related conditions. Experimental studies and prediction algorithms are not available or were not evaluated, and the functional significance of this variant is currently unknown. In summary, the available evidence is currently insufficient to determine the role of this variant in disease. Therefore, it has been classified as a Variant of Uncertain Significance.